The following is an entry in ClinVar:

ClinVar aggregate classification (germline): Uncertain significance. Review status: criteria provided, multiple submitters, no conflicts (2 of 4 stars). 3 submissions from 3 submitters: Uncertain significance (3). Last evaluated 2024-05-03.

Conditions:
Fraser syndrome 1 (FRASRS1). Also called: CRYPTOPHTHALMOS WITH OTHER MALFORMATIONS. Identifiers: Orphanet 2052, MedGen C4551480, MONDO:0054737, OMIM 219000.

Allele frequency attached by ClinVar (database versions not stated): gnomAD 0.00001 and 0.00002; TOPMed 0.00002; gnomAD exomes 0.00006 and 0.00008; ExAC 0.00008.
gnomAD v4.1: 89 of 1,613,550 alleles (0.0055%); highest among the groups gnomAD compares: Middle Eastern, 0.066%; no homozygotes.

Submissions (3):

Fulgent Genetics
Classification: Uncertain significance for Fraser syndrome 1. Last evaluated: 2024-05-03. Review status: criteria provided, single submitter. Criteria: ACMG Guidelines, 2015. Collection method: clinical testing. Allele origin: germline.

Labcorp Genetics (formerly Invitae), Labcorp
Classification: Uncertain significance. Last evaluated: 2022-07-25. Review status: criteria provided, single submitter. Criteria: Invitae Variant Classification Sherloc (09022015). Collection method: clinical testing. Allele origin: germline.
Comment: This sequence change replaces valine, which is neutral and non-polar, with leucine, which is neutral and non-polar, at codon 496 of the FRAS1 protein (p.Val496Leu). This variant is present in population databases (rs201490843, gnomAD 0.05%). This variant has not been reported in the literature in individuals affected with FRAS1-related conditions. ClinVar contains an entry for this variant (Variation ID: 349678). Algorithms developed to predict the effect of missense changes on protein structure and function are either unavailable or do not agree on the potential impact of this missense change (SIFT: "Deleterious"; PolyPhen-2: "Benign"; Align-GVGD: "Class C0"). In summary, the available evidence is currently insufficient to determine the role of this variant in disease. Therefore, it has been classified as a Variant of Uncertain Significance.

Illumina Laboratory Services, Illumina
Classification: Uncertain significance for Fraser syndrome 1. Last evaluated: 2018-01-13. Review status: criteria provided, single submitter. Criteria: ICSL Variant Classification Criteria 13 December 2019. Collection method: clinical testing. Allele origin: germline.

NM_025074.7(FRAS1):c.1486G>T (p.Val496Leu)

Gene: FRAS1 (Fraser extracellular matrix complex subunit 1; plus strand). Cytogenetic location: 4q21.21.
Variant type: single nucleotide variant.
Coding change: c.1486G>T on transcript NM_025074.7 (MANE Select); coding-DNA position 1486, G replaced by T.
Protein change: p.Val496Leu; replaces valine 496 with leucine.
Molecular consequence: missense variant.
Genome position (GRCh38, 1-based): chr4:78,286,491, G>T. VCF-style: chr4-78286491-G-T. GRCh37 (hg19) VCF-style: chr4-79207645-G-T.
Other names: c.1486G>T, p.Val496Leu (NM_001166133.2); short protein forms V496L.
Identifiers: ClinVar variation 349678 (VCV000349678.7), dbSNP rs201490843, ClinGen allele CA2976313.